The following is an entry in ClinVar:

ClinVar aggregate classification (germline): Uncertain significance (1 of 4 stars; one submission).

Submission:

Ambry Genetics
Classification: Uncertain significance. Last evaluated: 2023-08-23. Review status: criteria provided, single submitter. Criteria: Ambry Variant Classification Scheme 2023. Collection method: clinical testing. Allele origin: germline.
Comment: The p.M181T variant (also known as c.542T>C), located in coding exon 1 of the MLH3 gene, results from a T to C substitution at nucleotide position 542. The methionine at codon 181 is replaced by threonine, an amino acid with similar properties. This amino acid position is well conserved in available vertebrate species. In addition, this alteration is predicted to be deleterious by in silico analysis. The evidence for this gene-disease relationship is limited; therefore, the clinical significance of this alteration is unclear.

NM_001040108.2(MLH3):c.542T>C (p.Met181Thr)

Gene: MLH3 (mutL homolog 3; minus strand). Cytogenetic location: 14q24.3.
Variant type: single nucleotide variant.
Coding change: c.542T>C on transcript NM_001040108.2 (MANE Select); coding-DNA position 542, T replaced by C.
Protein change: p.Met181Thr; replaces methionine 181 with threonine.
Molecular consequence: missense variant.
Genome position (GRCh38, 1-based): chr14:75,049,114, A>G on the plus strand (T>C on the coding strand, the complement: MLH3 is on the minus strand). VCF-style: chr14-75049114-A-G. GRCh37 (hg19) VCF-style: chr14-75515817-A-G.
Other names: c.542T>C, p.Met181Thr (NM_014381.3); short protein forms M181T.
Identifiers: ClinVar variation 2625661 (VCV002625661.2), dbSNP rs2503324706, ClinGen allele CA390449933.
Genomic context (GRCh38, chr14:75,049,114, plus strand): 5'-AGCTGAAGAACCATGGAACCAGAAACATCATTTCTCAAAGAGAAAGAAATGGAAGGGTGC[A>G]TGAGTGAGAGAGCTTCTATTCTCTGCCTAACCTTCTCAAACTCCAGTCTAGGGTCCATGC-3'
Protein context (NP_001035197.1, residues 171-191): VRQRIEALSL[Met181Thr]HPSISFSLRN